The following is an entry in ClinVar:

NM_001040108.2(MLH3):c.2395G>A (p.Glu799Lys)

Gene: MLH3 (mutL homolog 3; minus strand). Cytogenetic location: 14q24.3.
Variant type: single nucleotide variant.
Coding change: c.2395G>A on transcript NM_001040108.2 (MANE Select); coding-DNA position 2395, G replaced by A.
Protein change: p.Glu799Lys; replaces glutamic acid 799 with lysine.
Molecular consequence: missense variant.
Genome position (GRCh38, 1-based): chr14:75,047,261, C>T on the plus strand (G>A on the coding strand, the complement: MLH3 is on the minus strand). VCF-style: chr14-75047261-C-T. GRCh37 (hg19) VCF-style: chr14-75513964-C-T.
Other names: c.2395G>A, p.Glu799Lys (NM_014381.3); short protein forms E799K.
Identifiers: ClinVar variation 1790614 (VCV001790614.2), dbSNP rs1892306512, ClinGen allele CA390440774.

ClinVar aggregate classification (germline): Uncertain significance (1 of 4 stars; one submission).

Submission:

Ambry Genetics
Classification: Uncertain significance. Last evaluated: 2020-12-11. Review status: criteria provided, single submitter. Criteria: Ambry Variant Classification Scheme 2023. Collection method: clinical testing. Allele origin: germline.
Comment: The p.E799K variant (also known as c.2395G>A), located in coding exon 1 of the MLH3 gene, results from a G to A substitution at nucleotide position 2395. The glutamic acid at codon 799 is replaced by lysine, an amino acid with similar properties. This amino acid position is poorly conserved in available vertebrate species. In addition, this alteration is predicted to be tolerated by in silico analysis. Since supporting evidence is limited at this time, the clinical significance of this alteration remains unclear.